The following is an entry in ClinVar:

ClinVar aggregate classification (germline): Pathogenic (1 of 4 stars; one submission).

Conditions:
Fanconi anemia (FA). Also called: Fanconi's anemia. Identifiers: Orphanet 84, MedGen C0015625, MeSH D005199, MONDO:0019391.

Submission:

Labcorp Genetics (formerly Invitae), Labcorp
Classification: Pathogenic for Fanconi anemia. Last evaluated: 2023-08-18. Review status: criteria provided, single submitter. Criteria: Invitae Variant Classification Sherloc (09022015). Collection method: clinical testing. Allele origin: germline.
Comment: This sequence change creates a premature translational stop signal (p.Leu1333*) in the FANCD2 gene. It is expected to result in an absent or disrupted protein product. Loss-of-function variants in FANCD2 are known to be pathogenic (PMID: 17436244). This variant is not present in population databases (gnomAD no frequency). This variant has not been reported in the literature in individuals affected with FANCD2-related conditions. Algorithms developed to predict the effect of sequence changes on RNA splicing suggest that this variant may disrupt the consensus splice site. For these reasons, this variant has been classified as Pathogenic.

Literature cited by the submitters: PubMed 17436244.

NM_001018115.3(FANCD2):c.3998T>A (p.Leu1333Ter)

Genes: FANCD2 (FA complementation group D2; plus strand), FANCD2OS (FANCD2 opposite strand; minus strand). Cytogenetic location: 3p25.3.
Variant type: single nucleotide variant.
Coding change: c.3998T>A on transcript NM_001018115.3 (MANE Select); coding-DNA position 3998, T replaced by A.
Protein change: p.Leu1333Ter; replaces leucine 1333 with a stop codon.
Molecular consequence: nonsense. On other transcripts: intron variant (1).
Genome position (GRCh38, 1-based): chr3:10,095,234, T>A. VCF-style: chr3-10095234-T-A. GRCh37 (hg19) VCF-style: chr3-10136918-T-A.
Other names: c.3998T>A, p.Leu1333Ter (NM_001319984.2, NM_033084.6); c.3887T>A, p.Leu1296Ter (NM_001374253.1); c.3959T>A, p.Leu1320Ter (NM_001374254.1); c.*43+8964A>T (NM_173472.2); short protein forms L1296*, L1333*, L1320*.
Identifiers: ClinVar variation 2753735 (VCV002753735.3), dbSNP rs2470081071, ClinGen allele CA351757201.